The following is an entry in ClinVar:

ClinVar aggregate classification (germline): Uncertain significance. Review status: criteria provided, multiple submitters, no conflicts (2 of 4 stars). 4 submissions from 4 submitters: Uncertain significance (4). Last evaluated 2024-12-15.

Conditions:
Loeys-Dietz syndrome 4 (LDS4). Also called: TGFB2-Related Loeys-Dietz Syndrome; ANEURYSM, AORTIC AND CEREBRAL, WITH ARTERIAL TORTUOSITY AND SKELETAL MANIFESTATIONS. Identifiers: MedGen C3553762, MONDO:0013897, OMIM 614816.
Familial thoracic aortic aneurysm and aortic dissection (TAAD). Also called: Thoracic aortic aneurysms and dissections. Identifiers: Orphanet 91387, MedGen C4707243, MONDO:0019625.

Allele frequency attached by ClinVar (database versions not stated): gnomAD exomes below 0.00001 and 0.00001; ExAC 0.00002.

Submissions (4):

Labcorp Genetics (formerly Invitae), Labcorp
Classification: Uncertain significance for Loeys-Dietz syndrome 4. Last evaluated: 2024-12-15. Review status: criteria provided, single submitter. Criteria: Invitae Variant Classification Sherloc (09022015). Collection method: clinical testing. Allele origin: germline.
Comment: This sequence change replaces lysine, which is basic and polar, with asparagine, which is neutral and polar, at codon 158 of the TGFB2 protein (p.Lys158Asn). This variant is present in population databases (rs775251473, gnomAD 0.0009%). This variant has not been reported in the literature in individuals affected with TGFB2-related conditions. ClinVar contains an entry for this variant (Variation ID: 520198). Invitae Evidence Modeling of protein sequence and biophysical properties (such as structural, functional, and spatial information, amino acid conservation, physicochemical variation, residue mobility, and thermodynamic stability) indicates that this missense variant is not expected to disrupt TGFB2 protein function with a negative predictive value of 80%. In summary, the available evidence is currently insufficient to determine the role of this variant in disease. Therefore, it has been classified as a Variant of Uncertain Significance.

GeneDx
Classification: Uncertain significance. Last evaluated: 2021-12-27. Review status: criteria provided, single submitter. Criteria: GeneDx Variant Classification Process June 2021. Collection method: clinical testing. Allele origin: germline. Affected: yes.
Comment: Not observed at significant frequency in large population cohorts (gnomAD); In silico analysis supports that this missense variant does not alter protein structure/function; Has not been previously published as pathogenic or benign to our knowledge

Fulgent Genetics
Classification: Uncertain significance for Loeys-Dietz syndrome 4. Last evaluated: 2021-08-23. Review status: criteria provided, single submitter. Criteria: ACMG Guidelines, 2015. Collection method: clinical testing. Allele origin: unknown.

Ambry Genetics
Classification: Uncertain significance for Familial thoracic aortic aneurysm and aortic dissection. Last evaluated: 2017-03-07. Review status: criteria provided, single submitter. Criteria: Ambry Variant Classification Scheme 2023. Collection method: clinical testing. Allele origin: germline.
Comment: The p.K158N variant (also known as c.474A>T), located in coding exon 2 of the TGFB2 gene, results from an A to T substitution at nucleotide position 474. The lysine at codon 158 is replaced by asparagine, an amino acid with similar properties. This amino acid position is well conserved in available vertebrate species. In addition, this alteration is predicted to be tolerated by in silico analysis. Since supporting evidence is limited at this time, the clinical significance of this alteration remains unclear.

NM_003238.6(TGFB2):c.474A>T (p.Lys158Asn)

Gene: TGFB2 (transforming growth factor beta 2; plus strand). Cytogenetic location: 1q41.
Variant type: single nucleotide variant.
Coding change: c.474A>T on transcript NM_003238.6 (MANE Select); coding-DNA position 474, A replaced by T.
Protein change: p.Lys158Asn; replaces lysine 158 with asparagine.
Molecular consequence: missense variant. On other transcripts: non-coding transcript variant (2).
Genome position (GRCh38, 1-based): chr1:218,405,296, A>T. VCF-style: chr1-218405296-A-T. GRCh37 (hg19) VCF-style: chr1-218578638-A-T.
Other names: c.558A>T, p.Lys186Asn (NM_001135599.4); short protein forms K158N, K186N.
Identifiers: ClinVar variation 520198 (VCV000520198.9), dbSNP rs775251473, ClinGen allele CA1398457.